The following is an entry in ClinVar:

NM_001303.4(COX10):c.1312G>A (p.Ala438Thr)

Gene: COX10 (cytochrome c oxidase assembly factor heme A:farnesyltransferase COX10; plus strand). Cytogenetic location: 17p12.
Variant type: single nucleotide variant.
Coding change: c.1312G>A on transcript NM_001303.4 (MANE Select); coding-DNA position 1312, G replaced by A.
Protein change: p.Ala438Thr; replaces alanine 438 with threonine.
Molecular consequence: missense variant.
Genome position (GRCh38, 1-based): chr17:14,207,193, G>A. VCF-style: chr17-14207193-G-A. GRCh37 (hg19) VCF-style: chr17-14110510-G-A.
Other names: c.1312G>A (NM_001303.3); short protein forms A438T.
Identifiers: ClinVar variation 2191195 (VCV002191195.2), dbSNP rs868542723, ClinGen allele CA288080912.

ClinVar aggregate classification (germline): Uncertain significance. Review status: criteria provided, multiple submitters, no conflicts (2 of 4 stars). 2 submissions from 2 submitters: Uncertain significance (2). Last evaluated 2025-02-07.

gnomAD v4.1: 5 of 1,598,414 alleles (0.00031%); highest among the groups gnomAD compares: African/African-American, 0.004%; no homozygotes.

Submissions (2):

GeneDx
Classification: Uncertain significance. Last evaluated: 2025-02-07. Review status: criteria provided, single submitter. Criteria: GeneDx Variant Classification Process June 2021. Collection method: clinical testing. Allele origin: germline. Affected: yes.
Comment: Not observed at significant frequency in large population cohorts (gnomAD); In silico analysis indicates that this missense variant does not alter protein structure/function; Has not been previously published as pathogenic or benign to our knowledge

Labcorp Genetics (formerly Invitae), Labcorp
Classification: Uncertain significance. Last evaluated: 2022-09-13. Review status: criteria provided, single submitter. Criteria: Invitae Variant Classification Sherloc (09022015). Collection method: clinical testing. Allele origin: germline.
Comment: This sequence change replaces alanine, which is neutral and non-polar, with threonine, which is neutral and polar, at codon 438 of the COX10 protein (p.Ala438Thr). The frequency data for this variant in the population databases is considered unreliable, as metrics indicate poor data quality at this position in the gnomAD database. This variant has not been reported in the literature in individuals affected with COX10-related conditions. Algorithms developed to predict the effect of missense changes on protein structure and function output the following: SIFT: "Tolerated"; PolyPhen-2: "Not Available"; Align-GVGD: "Class C0". The threonine amino acid residue is found in multiple mammalian species, which suggests that this missense change does not adversely affect protein function. In summary, the available evidence is currently insufficient to determine the role of this variant in disease. Therefore, it has been classified as a Variant of Uncertain Significance.